The following is an entry in ClinVar:

ClinVar aggregate classification (germline): Uncertain significance. Review status: criteria provided, multiple submitters, no conflicts (2 of 4 stars). 2 submissions from 2 submitters: Uncertain significance (2). Last evaluated 2024-10-14.

Conditions:
DNAH17-related disorder. Also called: DNAH17-related condition.
Inborn genetic diseases. Identifiers: MedGen C0950123, MeSH D030342.

Allele frequency attached by ClinVar (database versions not stated): ExAC 0.00002; gnomAD exomes 0.00002; TOPMed 0.00002; gnomAD 0.00003.
gnomAD v4.1: 16 of 1,613,940 alleles (0.00099%); highest among the groups gnomAD compares: Admixed American, 0.027%; no homozygotes.

Submissions (2):

PreventionGenetics, part of Exact Sciences
Classification: Uncertain significance for DNAH17-related condition. Last evaluated: 2024-10-14. Review status: criteria provided, single submitter. Criteria: ACMG Guidelines, 2015. Collection method: clinical testing. Allele origin: germline.
Comment: The DNAH17 c.13312T>C variant is predicted to result in the amino acid substitution p.Trp4438Arg. To our knowledge, this variant has not been reported in the literature. This variant is reported in 0.020% of alleles in individuals of Latino descent in gnomAD. At this time, the clinical significance of this variant is uncertain due to the absence of conclusive functional and genetic evidence.

Ambry Genetics
Classification: Uncertain significance for Inborn genetic diseases. Last evaluated: 2022-06-10. Review status: criteria provided, single submitter. Criteria: Ambry Variant Classification Scheme 2023. Collection method: clinical testing. Allele origin: germline.

NM_173628.4(DNAH17):c.13312T>C (p.Trp4438Arg)

Genes: DNAH17 (dynein axonemal heavy chain 17; minus strand), PGS1 (phosphatidylglycerophosphate synthase 1; plus strand). Cytogenetic location: 17q25.3.
Variant type: single nucleotide variant.
Coding change: c.13312T>C on transcript NM_173628.4 (MANE Select); coding-DNA position 13312, T replaced by C.
Protein change: p.Trp4438Arg; replaces tryptophan 4438 with arginine.
Molecular consequence: missense variant. On other transcripts: intron variant (1).
Genome position (GRCh38, 1-based): chr17:78,423,983, A>G on the plus strand (T>C on the coding strand, the complement: DNAH17 is on the minus strand). VCF-style: chr17-78423983-A-G. GRCh37 (hg19) VCF-style: chr17-76420064-A-G.
Other names: c.*11-78A>G (NM_024419.5); short protein forms W4438R.
Identifiers: ClinVar variation 2355990 (VCV002355990.3), dbSNP rs775310662, ClinGen allele CA8799553.
Genomic context (GRCh38, chr17:78,423,983, plus strand): 5'-GCGCCACGGCTGCCAGGATCCACTTCGCTGCCTTCTCTTTGGTCTTCAAGTTAAAGGTCC[A>G]GACATAGGTGGGGCCGCGGATGCGTGTTTTGTACACGGGACACTCATAGATGTTCTTGGT-3'
Protein context (NP_775899.3, residues 4428-4448): KTRIRGPTYV[Trp4438Arg]TFNLKTKEKA